The following is an entry in ClinVar:

ClinVar aggregate classification (germline): Uncertain significance. Review status: criteria provided, multiple submitters, no conflicts (2 of 4 stars). 2 submissions from 2 submitters: Uncertain significance (2). Last evaluated 2022-07-29.

Conditions:
Nemaline myopathy 2 (NEM2). Also called: Nemaline myopathy 2, autosomal recessive. Identifiers: MedGen C1850569, MONDO:0009725, OMIM 256030.

Allele frequency attached by ClinVar (database versions not stated): gnomAD exomes below 0.00001; TOPMed 0.00002.
gnomAD v4.1: 1 of 1,613,240 alleles (0.000062%); highest among the groups gnomAD compares: Non-Finnish European, 0.000085%; no homozygotes.

Submissions (2):

Labcorp Genetics (formerly Invitae), Labcorp
Classification: Uncertain significance for Nemaline myopathy 2. Last evaluated: 2022-07-29. Review status: criteria provided, single submitter. Criteria: Invitae Variant Classification Sherloc (09022015). Collection method: clinical testing. Allele origin: germline.
Comment: This sequence change replaces lysine, which is basic and polar, with glutamic acid, which is acidic and polar, at codon 6535 of the NEB protein (p.Lys6535Glu). This variant is present in population databases (no rsID available, gnomAD 0.006%). This variant has not been reported in the literature in individuals affected with NEB-related conditions. ClinVar contains an entry for this variant (Variation ID: 1163215). Algorithms developed to predict the effect of missense changes on protein structure and function are either unavailable or do not agree on the potential impact of this missense change (SIFT: "Deleterious"; PolyPhen-2: "Not Available"; Align-GVGD: "Class C0"). In summary, the available evidence is currently insufficient to determine the role of this variant in disease. Therefore, it has been classified as a Variant of Uncertain Significance.

Mayo Clinic Laboratories, Mayo Clinic
Classification: Uncertain significance. Last evaluated: 2019-10-14. Review status: criteria provided, single submitter. Criteria: ACMG Guidelines, 2015. Collection method: clinical testing. Allele origin: germline. Observed: 1 variant allele.

NM_001164508.2(NEB):c.19603A>G (p.Lys6535Glu)

Genes: NEB (nebulin; minus strand), LOC126806373 (BRD4-independent group 4 enhancer GRCh37_chr2:152410007-152411206; plus strand). Cytogenetic location: 2q23.3.
Variant type: single nucleotide variant.
Coding change: c.19603A>G on transcript NM_001164508.2 (MANE Select); coding-DNA position 19603, A replaced by G.
Protein change: p.Lys6535Glu; replaces lysine 6535 with glutamic acid.
Molecular consequence: missense variant.
Genome position (GRCh38, 1-based): chr2:151,553,851, T>C on the plus strand (A>G on the coding strand, the complement: NEB is on the minus strand). VCF-style: chr2-151553851-T-C. GRCh37 (hg19) VCF-style: chr2-152410365-T-C.
Other names: c.19603A>G, p.Lys6535Glu (NM_001164507.2, NM_001271208.2); c.14500A>G, p.Lys4834Glu (NM_004543.5); short protein forms K4834E, K6535E.
Identifiers: ClinVar variation 1163215 (VCV001163215.9), dbSNP rs898837153, ClinGen allele CA57648322.